The following is an entry in ClinVar:

NM_001130987.2(DYSF):c.799G>A (p.Val267Met)

Gene: DYSF (dysferlin; plus strand). Cytogenetic location: 2p13.2.
Variant type: single nucleotide variant.
Coding change: c.799G>A on transcript NM_001130987.2 (MANE Select); coding-DNA position 799, G replaced by A.
Protein change: p.Val267Met; replaces valine 267 with methionine.
Molecular consequence: missense variant.
Genome position (GRCh38, 1-based): chr2:71,515,662, G>A. VCF-style: chr2-71515662-G-A. GRCh37 (hg19) VCF-style: chr2-71742792-G-A.
Other names: p.Val235Met; c.706G>A, p.Val236Met (NM_001130455.2, NM_001130983.2, NM_001130984.2 and 1 more transcripts); c.703G>A, p.Val235Met (NM_001130976.2, NM_001130977.2, NM_001130978.2 and 1 more transcripts); c.796G>A, p.Val266Met (NM_001130979.2, NM_001130980.2, NM_001130981.2); c.799G>A, p.Val267Met (NM_001130982.2, NM_001130985.2); short protein forms V235M, V267M, V236M, V266M.
Identifiers: ClinVar variation 289140 (VCV000289140.30), dbSNP rs750724439, ClinGen allele CA1705466.

ClinVar aggregate classification (germline): Conflicting classifications of pathogenicity. Review status: criteria provided, conflicting classifications (1 of 4 stars). 8 submissions from 8 submitters: Uncertain significance (6); Likely benign (1). 1 of the submissions does not count toward it. Last evaluated 2026-01-25.

Conditions:
Neuromuscular disease caused by qualitative or quantitative defects of dysferlin. Also called: Dysferlinopathy; Qualitative or quantitative defects of dysferlin. Identifiers: Orphanet 207073, MedGen C2931687, MONDO:0016145.
Autosomal recessive limb-girdle muscular dystrophy type 2B (LGMDR2). Also called: MUSCULAR DYSTROPHY, LIMB-GIRDLE, AUTOSOMAL RECESSIVE 2; Limb-girdle muscular dystrophy, type 2B; Limb-Girdle Muscular Dystrophy Type 2B (LGMD2B); MUSCULAR DYSTROPHY, LIMB-GIRDLE, TYPE 3. Identifiers: Orphanet 268, MedGen C1850889, MONDO:0009676, OMIM 253601.

Allele frequency attached by ClinVar (database versions not stated): gnomAD 0.00006 and 0.00007; ExAC 0.00008; TOPMed 0.00008; gnomAD exomes 0.00014.

Submissions (8):

Labcorp Genetics (formerly Invitae), Labcorp
Classification: Likely benign for Neuromuscular disease caused by qualitative or quantitative defects of dysferlin. Last evaluated: 2026-01-25. Review status: criteria provided, single submitter. Criteria: Invitae Variant Classification Sherloc (09022015). Collection method: clinical testing. Allele origin: germline.

Mayo Clinic Laboratories, Mayo Clinic
Classification: Uncertain significance. Last evaluated: 2025-10-22. Review status: criteria provided, single submitter. Criteria: ACMG Guidelines, 2015. Collection method: clinical testing. Allele origin: germline. Observed: 1 variant allele.
Comment: BP4_moderate, PM2_supporting

Revvity Omics, Revvity
Classification: Uncertain significance. Last evaluated: 2025-07-02. Review status: criteria provided, single submitter. Criteria: ACMG Guidelines, 2015. Collection method: clinical testing. Allele origin: germline.

CeGaT Center for Human Genetics Tuebingen
Classification: Uncertain significance. Last evaluated: 2025-07-01. Review status: criteria provided, single submitter. Criteria: CeGaT Center For Human Genetics Tuebingen Variant Classification Criteria Version 2. Collection method: clinical testing. Allele origin: germline. Affected: yes. Observed: 1 variant allele.
Comment: DYSF: PM2

Blueprint Genetics
Classification: Uncertain significance. Last evaluated: 2024-08-06. Review status: criteria provided, single submitter. Criteria: ACMG Guidelines, 2015. Collection method: clinical testing. Allele origin: germline.

Illumina Laboratory Services, Illumina
Classification: Uncertain significance for Qualitative or quantitative defects of dysferlin. Last evaluated: 2018-01-13. Review status: criteria provided, single submitter. Criteria: ICSL Variant Classification Criteria 13 December 2019. Collection method: clinical testing. Allele origin: germline.

Eurofins Ntd Llc (ga)
Classification: Uncertain significance. Last evaluated: 2017-11-30. Review status: criteria provided, single submitter. Criteria: EGL Classification Definitions 2015. Collection method: clinical testing. Allele origin: germline. Observed: 4 variant alleles, 4 heterozygotes.

Natera, Inc.
Classification: Uncertain significance for Limb-girdle muscular dystrophy type 2B. Last evaluated: 2020-09-16. Review status: no assertion criteria provided. Collection method: clinical testing. Allele origin: germline. Not counted in ClinVar's aggregate classification.

Literature cited by the submitters: PubMed 30564623 (cited by Mayo Clinic Laboratories, Mayo Clinic).